The following is an entry in ClinVar:

NM_145059.3(FCSK):c.1290C>G (p.His430Gln)

Gene: FCSK (fucose kinase; plus strand). Cytogenetic location: 16q22.1.
Variant type: single nucleotide variant.
Coding change: c.1290C>G on transcript NM_145059.3 (MANE Select); coding-DNA position 1290, C replaced by G.
Protein change: p.His430Gln; replaces histidine 430 with glutamine.
Molecular consequence: missense variant.
Genome position (GRCh38, 1-based): chr16:70,471,301, C>G. VCF-style: chr16-70471301-C-G. GRCh37 (hg19) VCF-style: chr16-70505204-C-G.
Other names: c.1290C>G (NM_145059.2); short protein forms H430Q.
Identifiers: ClinVar variation 2973910 (VCV002973910.4), dbSNP rs368134831, ClinGen allele CA8143266.

ClinVar aggregate classification (germline): Uncertain significance. Review status: criteria provided, multiple submitters, no conflicts (2 of 4 stars). 2 submissions from 2 submitters: Uncertain significance (2). Last evaluated 2025-09-30.

Allele frequency attached by ClinVar (database versions not stated): ESP Exome Variant Server 0.00008.
gnomAD v4.1: 9 of 1,602,662 alleles (0.00056%); highest among the groups gnomAD compares: African/African-American, 0.011%; no homozygotes.

Submissions (2):

Labcorp Genetics (formerly Invitae), Labcorp
Classification: Uncertain significance. Last evaluated: 2025-09-30. Review status: criteria provided, single submitter. Criteria: Invitae Variant Classification Sherloc (09022015). Collection method: clinical testing. Allele origin: germline.
Comment: This sequence change replaces histidine, which is basic and polar, with glutamine, which is neutral and polar, at codon 430 of the FUK protein (p.His430Gln). This variant is present in population databases (rs368134831, gnomAD 0.02%). This variant has not been reported in the literature in individuals affected with FUK-related conditions. ClinVar contains an entry for this variant (Variation ID: 2973910). An algorithm developed to predict the effect of missense changes on protein structure and function outputs the following: PolyPhen-2: "Benign". The glutamine amino acid residue is found in multiple mammalian species, which suggests that this missense change does not adversely affect protein function. In summary, the available evidence is currently insufficient to determine the role of this variant in disease. Therefore, it has been classified as a Variant of Uncertain Significance.

Ambry Genetics
Classification: Uncertain significance. Last evaluated: 2024-09-24. Review status: criteria provided, single submitter. Criteria: Ambry Variant Classification Scheme 2023. Collection method: clinical testing. Allele origin: germline.